The following is an entry in ClinVar:

ClinVar aggregate classification (germline): Pathogenic (1 of 4 stars; one submission).

Conditions:
Joubert syndrome. Also called: CEREBELLOPARENCHYMAL DISORDER IV; JOUBERT-BOLTSHAUSER SYNDROME; Familial aplasia of the vermis. Identifiers: Orphanet 475, MedGen C5979921, MONDO:0018772.

Submission:

Labcorp Genetics (formerly Invitae), Labcorp
Classification: Pathogenic for Joubert syndrome. Last evaluated: 2022-09-01. Review status: criteria provided, single submitter. Criteria: Invitae Variant Classification Sherloc (09022015). Collection method: clinical testing. Allele origin: germline.
Comment: This sequence change creates a premature translational stop signal (p.Lys1147Glnfs*18) in the AHI1 gene. It is expected to result in an absent or disrupted protein product. Loss-of-function variants in AHI1 are known to be pathogenic (PMID: 15322546, 16453322, 28442542, 29186038). For these reasons, this variant has been classified as Pathogenic. This variant has not been reported in the literature in individuals affected with AHI1-related conditions. This variant is not present in population databases (gnomAD no frequency).

Literature cited by the submitters: PubMed 15322546; PubMed 16453322; PubMed 28442542; PubMed 29186038.

NM_001134831.2(AHI1):c.3438_3439insC (p.Lys1147fs)

Gene: AHI1 (Abelson helper integration site 1; minus strand). Cytogenetic location: 6q23.3.
Variant type: Insertion.
Coding change: c.3438_3439insC on transcript NM_001134831.2 (MANE Select); coding-DNA positions 3438 to 3439, C inserted.
Protein change: p.Lys1147fs; shifts the reading frame from lysine 1147.
Molecular consequence: frameshift variant.
Genome position: GRCh38 VCF-style: chr6-135300546-T-TG. GRCh37 (hg19) VCF-style: chr6-135621684-T-TG.
Other names: c.3438_3439insC, p.Lys1147fs (NM_001134830.2, NM_001350503.2, NM_001350504.2 and 1 more transcripts); short protein forms K1147fs.
Identifiers: ClinVar variation 2028349 (VCV002028349.4), dbSNP rs2483057361, ClinGen allele CA2580075058.
Genomic context (GRCh38, chr6:135,300,546, plus strand): 5'-AAGAAGTTGCTTACTGTGTCATAGATTCTGAGCCTAGTCTGAAGTCCTGGGACTTGTTCT[T>TG]ATTGATTGATTGCTGTGGAAGAAGAGGAAAAACAAGTAGTAAGTAAAAAATGAGAAAAGA-3'